The following is an entry in ClinVar:

ClinVar aggregate classification (germline): Uncertain significance. Review status: criteria provided, multiple submitters, no conflicts (2 of 4 stars). 2 submissions from 2 submitters: Uncertain significance (2). Last evaluated 2025-08-21.

Conditions:
Inborn genetic diseases. Identifiers: MedGen C0950123, MeSH D030342.

Allele frequency attached by ClinVar (database versions not stated): TOPMed 0.00014; ESP Exome Variant Server 0.00015; ExAC 0.00016; gnomAD 0.00019; gnomAD exomes 0.00029.
gnomAD v4.1: 454 of 1,614,026 alleles (0.028%); highest among the groups gnomAD compares: Non-Finnish European, 0.036%; no homozygotes.

Submissions (2):

Labcorp Genetics (formerly Invitae), Labcorp
Classification: Uncertain significance. Last evaluated: 2025-08-21. Review status: criteria provided, single submitter. Criteria: Invitae Variant Classification Sherloc (09022015). Collection method: clinical testing. Allele origin: germline.
Comment: This sequence change replaces arginine, which is basic and polar, with tryptophan, which is neutral and slightly polar, at codon 513 of the MMP14 protein (p.Arg513Trp). This variant is present in population databases (rs141384790, gnomAD 0.03%). This variant has not been reported in the literature in individuals affected with MMP14-related conditions. ClinVar contains an entry for this variant (Variation ID: 2150433). An algorithm developed to predict the effect of missense changes on protein structure and function (PolyPhen-2) suggests that this variant is likely to be disruptive. In summary, the available evidence is currently insufficient to determine the role of this variant in disease. Therefore, it has been classified as a Variant of Uncertain Significance.

Ambry Genetics
Classification: Uncertain significance for Inborn genetic diseases. Last evaluated: 2021-08-16. Review status: criteria provided, single submitter. Criteria: Ambry Variant Classification Scheme 2023. Collection method: clinical testing. Allele origin: germline.

NM_004995.4(MMP14):c.1537C>T (p.Arg513Trp)

Gene: MMP14 (matrix metallopeptidase 14; plus strand). Cytogenetic location: 14q11.2.
Variant type: single nucleotide variant.
Coding change: c.1537C>T on transcript NM_004995.4 (MANE Select); coding-DNA position 1537, C replaced by T.
Protein change: p.Arg513Trp; replaces arginine 513 with tryptophan.
Molecular consequence: missense variant.
Genome position (GRCh38, 1-based): chr14:22,845,827, C>T. VCF-style: chr14-22845827-C-T. GRCh37 (hg19) VCF-style: chr14-23315036-C-T.
Other names: c.1537C>T (NM_004995.2); short protein forms R513W.
Identifiers: ClinVar variation 2150433 (VCV002150433.5), dbSNP rs141384790, ClinGen allele CA7105500.